The following is an entry in ClinVar:

NM_002860.4(ALDH18A1):c.1367G>A (p.Arg456His)

Gene: ALDH18A1 (aldehyde dehydrogenase 18 family member A1; minus strand). Cytogenetic location: 10q24.1.
Variant type: single nucleotide variant.
Coding change: c.1367G>A on transcript NM_002860.4 (MANE Select); coding-DNA position 1367, G replaced by A.
Protein change: p.Arg456His; replaces arginine 456 with histidine.
Molecular consequence: missense variant.
Genome position (GRCh38, 1-based): chr10:95,621,131, C>T on the plus strand (G>A on the coding strand, the complement: ALDH18A1 is on the minus strand). VCF-style: chr10-95621131-C-T. GRCh37 (hg19) VCF-style: chr10-97380888-C-T.
Other names: c.1361G>A, p.Arg454His (NM_001017423.2, NM_001323415.2); c.1034G>A, p.Arg345His (NM_001323412.2, NM_001323416.2); c.1367G>A, p.Arg456His (NM_001323413.2, NM_001323414.2); c.1262G>A, p.Arg421His (NM_001323417.2); c.1028G>A, p.Arg343His (NM_001323418.2); c.731G>A, p.Arg244His (NM_001323419.2); short protein forms R244H, R343H, R345H, R421H, R454H, R456H.
Identifiers: ClinVar variation 1190002 (VCV001190002.8), dbSNP rs760865106, ClinGen allele CA5620339.

ClinVar aggregate classification (germline): Uncertain significance. Review status: criteria provided, multiple submitters, no conflicts (2 of 4 stars). 3 submissions from 3 submitters: Uncertain significance (3). Last evaluated 2025-07-27.

Conditions:
P5CS deficiency. Identifiers: MedGen CN294786, MONDO:0100126.
Cutis laxa, autosomal dominant 3 (ADCL3). Identifiers: Orphanet 90348, MedGen C4225268, MONDO:0014706, OMIM 616603.
Autosomal dominant spastic paraplegia type 9. Identifiers: MedGen C1832669, MONDO:0015091.
de Barsy syndrome. Also called: Cutis laxa-corneal clouding-oligophrenia syndrome. Identifiers: Orphanet 2962, MedGen C0268354, MONDO:0017569.

Allele frequency attached by ClinVar (database versions not stated): TOPMed 0.00002; gnomAD 0.00002; ExAC 0.00004; gnomAD exomes 0.00005.

Submissions (3):

Labcorp Genetics (formerly Invitae), Labcorp
Classification: Uncertain significance for Autosomal dominant spastic paraplegia type 9; de Barsy syndrome; Cutis laxa, autosomal dominant 3. Last evaluated: 2025-07-27. Review status: criteria provided, single submitter. Criteria: Invitae Variant Classification Sherloc (09022015). Collection method: clinical testing. Allele origin: germline.
Comment: This sequence change replaces arginine, which is basic and polar, with histidine, which is basic and polar, at codon 456 of the ALDH18A1 protein (p.Arg456His). This variant is present in population databases (rs760865106, gnomAD 0.01%). This missense change has been observed in individual(s) with clinical features of autosomal recessive hereditary spastic paraplegia (internal data). ClinVar contains an entry for this variant (Variation ID: 1190002). Invitae Evidence Modeling of protein sequence and biophysical properties (such as structural, functional, and spatial information, amino acid conservation, physicochemical variation, residue mobility, and thermodynamic stability) has been performed for this missense variant. However, the output from this modeling did not meet the statistical confidence thresholds required to predict the impact of this variant on ALDH18A1 protein function. In summary, the available evidence is currently insufficient to determine the role of this variant in disease. Therefore, it has been classified as a Variant of Uncertain Significance.

GeneDx
Classification: Uncertain significance. Last evaluated: 2021-05-17. Review status: criteria provided, single submitter. Criteria: GeneDx Variant Classification Process June 2021. Collection method: clinical testing. Allele origin: germline. Affected: yes.
Comment: In silico analysis supports that this missense variant has a deleterious effect on protein structure/function; Has not been previously published as pathogenic or benign to our knowledge

Department of Pathology and Laboratory Medicine, Sinai Health System
Classification: Uncertain significance for P5CS deficiency. Last evaluated: 2020-06-15. Review status: criteria provided, single submitter. Criteria: ACMG Guidelines, 2015. Collection method: research. Allele origin: germline.